The following is an entry in ClinVar:

NM_145166.4(ZBTB47):c.2047T>C (p.Phe683Leu)

Gene: ZBTB47 (zinc finger and BTB domain containing 47; plus strand). Cytogenetic location: 3p22.1.
Variant type: single nucleotide variant.
Coding change: c.2047T>C on transcript NM_145166.4 (MANE Select); coding-DNA position 2047, T replaced by C.
Protein change: p.Phe683Leu; replaces phenylalanine 683 with leucine.
Molecular consequence: missense variant.
Genome position (GRCh38, 1-based): chr3:42,664,401, T>C. VCF-style: chr3-42664401-T-C. GRCh37 (hg19) VCF-style: chr3-42705893-T-C.
Other names: c.2131T>C, p.Phe711Leu (NM_001410746.1); short protein forms F683L, F711L.
Identifiers: ClinVar variation 3901666 (VCV003901666.1).

ClinVar aggregate classification (germline): Uncertain significance (1 of 4 stars; one submission).

Submission:

GeneDx
Classification: Uncertain significance. Last evaluated: 2024-12-03. Review status: criteria provided, single submitter. Criteria: GeneDx Variant Classification Process June 2021. Collection method: clinical testing. Allele origin: germline. Affected: yes.
Comment: Not observed at significant frequency in large population cohorts (gnomAD); In silico analysis supports that this missense variant has a deleterious effect on protein structure/function; Has not been previously published as pathogenic or benign to our knowledge